The following is an entry in ClinVar:

NM_000465.4(BARD1):c.1231C>T (p.Pro411Ser)

Gene: BARD1 (BRCA1 associated RING domain 1; minus strand). Cytogenetic location: 2q35.
Variant type: single nucleotide variant.
Coding change: c.1231C>T on transcript NM_000465.4 (MANE Select); coding-DNA position 1231, C replaced by T.
Protein change: p.Pro411Ser; replaces proline 411 with serine.
Molecular consequence: missense variant. On other transcripts: non-coding transcript variant (2), intron variant (3).
Genome position (GRCh38, 1-based): chr2:214,780,643, G>A on the plus strand (C>T on the coding strand, the complement: BARD1 is on the minus strand). VCF-style: chr2-214780643-G-A. GRCh37 (hg19) VCF-style: chr2-215645367-G-A.
Other names: c.1174C>T, p.Pro392Ser (NM_001282543.2); c.159-28088C>T (NM_001282548.2); c.215+16418C>T (NM_001282545.2); c.364+11654C>T (NM_001282549.2); short protein forms P392S, P411S.
Identifiers: ClinVar variation 1057255 (VCV001057255.17), dbSNP rs786203825, ClinGen allele CA350453628.

ClinVar aggregate classification (germline): Uncertain significance. Review status: criteria provided, multiple submitters, no conflicts (2 of 4 stars). 4 submissions from 4 submitters: Uncertain significance (4). Last evaluated 2025-05-22.

Conditions:
Hereditary cancer-predisposing syndrome. Also called: Hereditary Cancer Syndrome; Tumor predisposition; Hereditary neoplastic syndrome; Neoplastic Syndromes, Hereditary. Identifiers: Orphanet 140162, MedGen C0027672, MeSH D009386, MONDO:0015356.
Familial cancer of breast. Also called: BREAST CANCER, FAMILIAL; Hereditary breast cancer; hereditary breast carcinoma. Identifiers: Orphanet 227535, MedGen C0346153, MONDO:0016419, OMIM 114480. Disease mechanism: loss of function.

gnomAD v4.1: 1 of 1,614,078 alleles (0.000062%); highest among the groups gnomAD compares: Non-Finnish European, 0.000085%; no homozygotes.

Submissions (4):

Ambry Genetics
Classification: Uncertain significance for Hereditary cancer-predisposing syndrome. Last evaluated: 2025-05-22. Review status: criteria provided, single submitter. Criteria: Ambry Variant Classification Scheme 2023. Collection method: clinical testing. Allele origin: germline.
Comment: The p.P411S variant (also known as c.1231C>T), located in coding exon 4 of the BARD1 gene, results from a C to T substitution at nucleotide position 1231. The proline at codon 411 is replaced by serine, an amino acid with similar properties. This amino acid position is conserved. In addition, this alteration is predicted to be tolerated by in silico analysis. Since supporting evidence is limited at this time, the clinical significance of this alteration remains unclear.

Labcorp Genetics (formerly Invitae), Labcorp
Classification: Uncertain significance for Familial cancer of breast. Last evaluated: 2024-04-16. Review status: criteria provided, single submitter. Criteria: Invitae Variant Classification Sherloc (09022015). Collection method: clinical testing. Allele origin: germline.
Comment: This sequence change replaces proline, which is neutral and non-polar, with serine, which is neutral and polar, at codon 411 of the BARD1 protein (p.Pro411Ser). This variant is not present in population databases (gnomAD no frequency). This variant has not been reported in the literature in individuals affected with BARD1-related conditions. ClinVar contains an entry for this variant (Variation ID: 1057255). An algorithm developed to predict the effect of missense changes on protein structure and function (PolyPhen-2) suggests that this variant is likely to be tolerated. In summary, the available evidence is currently insufficient to determine the role of this variant in disease. Therefore, it has been classified as a Variant of Uncertain Significance.

Institute for Clinical Genetics, University Hospital TU Dresden, University Hospital TU Dresden
Classification: Uncertain significance. Last evaluated: 2021-11-03. Review status: criteria provided, single submitter. Criteria: ACMG Guidelines, 2015. Collection method: clinical testing. Allele origin: germline.

GeneDx
Classification: Uncertain significance. Last evaluated: 2019-12-03. Review status: criteria provided, single submitter. Criteria: GeneDx Variant Classification Process June 2021. Collection method: clinical testing. Allele origin: germline. Affected: yes.
Comment: Has not been previously published as pathogenic or benign to our knowledge; In silico analysis, which includes protein predictors and evolutionary conservation, supports a deleterious effect; Not observed in large population cohorts (Lek 2016); This variant is associated with the following publications: (PMID: 29292755)